The following is an entry in ClinVar:

NM_032737.4(LMNB2):c.1126G>C (p.Glu376Gln)

Gene: LMNB2 (lamin B2; minus strand). Cytogenetic location: 19p13.3.
Variant type: single nucleotide variant.
Coding change: c.1126G>C on transcript NM_032737.4 (MANE Select); coding-DNA position 1126, G replaced by C.
Protein change: p.Glu376Gln; replaces glutamic acid 376 with glutamine.
Molecular consequence: missense variant.
Genome position (GRCh38, 1-based): chr19:2,434,371, C>G on the plus strand (G>C on the coding strand, the complement: LMNB2 is on the minus strand). VCF-style: chr19-2434371-C-G. GRCh37 (hg19) VCF-style: chr19-2434369-C-G.
Other names: c.1066G>C (NM_032737.2); short protein forms E376Q.
Identifiers: ClinVar variation 1405030 (VCV001405030.7), dbSNP rs370443310, ClinGen allele CA304225788.
Genomic context (GRCh38, chr19:2,434,371, plus strand): 5'-CCAGGAGCTTCCGGTAGGCGTTGATCTCCATGTCCAGGGCCAGCTTCACGTCCAGCAGCT[C>G]CTGGTACTCGGCCAGCTGCTGCTGCATCACGTCCCGCATCTCCGTCATCTCCTGCTCCTT-3'
Protein context (NP_116126.3, residues 366-386): VMQQQLAEYQ[Glu376Gln]LLDVKLALDM

ClinVar aggregate classification (germline): Uncertain significance. Review status: criteria provided, multiple submitters, no conflicts (2 of 4 stars). 2 submissions from 2 submitters: Uncertain significance (2). Last evaluated 2025-12-02.

Conditions:
Lipodystrophy, partial, acquired, susceptibility to (APLD). Also called: APLD, SUSCEPTIBILITY TO. Identifiers: MedGen C3887501, MONDO:0100476, OMIM 608709.
Progressive myoclonic epilepsy type 9. Identifiers: Orphanet 457265, MedGen C4225289, MONDO:0014685, OMIM 616540.

Allele frequency attached by ClinVar (database versions not stated): ESP Exome Variant Server 0.00008.

Submissions (2):

Ambry Genetics
Classification: Uncertain significance. Last evaluated: 2025-12-02. Review status: criteria provided, single submitter. Criteria: Ambry Variant Classification Scheme 2023. Collection method: clinical testing. Allele origin: germline.

Labcorp Genetics (formerly Invitae), Labcorp
Classification: Uncertain significance for Progressive myoclonic epilepsy type 9; Lipodystrophy, partial, acquired, susceptibility to. Last evaluated: 2021-09-17. Review status: criteria provided, single submitter. Criteria: Invitae Variant Classification Sherloc (09022015). Collection method: clinical testing. Allele origin: germline.
Comment: This sequence change replaces glutamic acid with glutamine at codon 376 of the LMNB2 protein (p.Glu376Gln). The glutamic acid residue is highly conserved and there is a small physicochemical difference between glutamic acid and glutamine. In summary, the available evidence is currently insufficient to determine the role of this variant in disease. Therefore, it has been classified as a Variant of Uncertain Significance. Algorithms developed to predict the effect of missense changes on protein structure and function (SIFT, PolyPhen-2, Align-GVGD) all suggest that this variant is likely to be disruptive. This variant has not been reported in the literature in individuals affected with LMNB2-related conditions. This variant is not present in population databases (ExAC no frequency).